The following is an entry in ClinVar:

NM_024782.3(NHEJ1):c.513G>C (p.Gly171=)

Gene: NHEJ1 (non-homologous end joining factor 1; minus strand). Cytogenetic location: 2q35.
Variant type: single nucleotide variant.
Coding change: c.513G>C on transcript NM_024782.3 (MANE Select); coding-DNA position 513, G replaced by C.
Protein change: p.Gly171=; no amino-acid change (glycine 171 retained).
Molecular consequence: synonymous variant. On other transcripts: non-coding transcript variant (1).
Genome position (GRCh38, 1-based): chr2:219,147,673, C>G on the plus strand (G>C on the coding strand, the complement: NHEJ1 is on the minus strand). VCF-style: chr2-219147673-C-G. GRCh37 (hg19) VCF-style: chr2-220012395-C-G.
Other names: c.513G>C, p.Gly171= (NM_001377498.1, NM_001377499.1).
Identifiers: ClinVar variation 681041 (VCV000681041.9), dbSNP rs759426248, ClinGen allele CA2116970.

ClinVar aggregate classification (germline): Likely benign. Review status: criteria provided, multiple submitters, no conflicts (2 of 4 stars). 3 submissions from 3 submitters: Likely benign (3). Last evaluated 2020-12-10.

Conditions:
Cernunnos-XLF deficiency (IMD124). Also called: Severe combined immunodeficiency with sensitivity to ionizing radiation due to NHEJ1 deficiency; SCID, autosomal recessive, T cell-negative, B cell-negative, NK cell-positive, and sensitivity to ionizing radiation due to NHEJ1 deficiency; IMMUNODEFICIENCY 124, SEVERE COMBINED; SCID, AUTOSOMAL RECESSIVE, T CELL-NEGATIVE, B CELL-NEGATIVE, NK CELL-POSITIVE, WITH MICROCEPHALY, GROWTH RETARDATION, AND SENSITIVITY TO IONIZING RADIATION; NHEJ1 SYNDROME. Identifiers: Orphanet 169079, MedGen C1969799, MONDO:0012650, OMIM 611291.

Allele frequency attached by ClinVar (database versions not stated): ExAC 0.00001; TOPMed 0.00002.
gnomAD v4.1: 23 of 1,614,230 alleles (0.0014%); highest among the groups gnomAD compares: East Asian, 0.051%; no homozygotes.

Submissions (3):

Labcorp Genetics (formerly Invitae), Labcorp
Classification: Likely benign for Cernunnos-XLF deficiency. Last evaluated: 2020-12-10. Review status: criteria provided, single submitter. Criteria: Invitae Variant Classification Sherloc (09022015). Collection method: clinical testing. Allele origin: germline.

GeneDx
Classification: Likely benign. Last evaluated: 2018-03-28. Review status: criteria provided, single submitter. Criteria: GeneDx Variant Classification (06012015). Collection method: clinical testing. Allele origin: germline. Affected: yes.
Comment: This variant is considered likely benign or benign based on one or more of the following criteria: it is a conservative change, it occurs at a poorly conserved position in the protein, it is predicted to be benign by multiple in silico algorithms, and/or has population frequency not consistent with disease.

Breakthrough Genomics
Classification: Likely benign. Review status: criteria provided, single submitter. Criteria: ACMG Guidelines, 2015. Collection method: not provided. Allele origin: germline. Inheritance: Unknown mechanism. Affected: yes.